The following is an entry in ClinVar:

NM_025074.7(FRAS1):c.7966_7967del (p.Leu2656fs)

Gene: FRAS1 (Fraser extracellular matrix complex subunit 1; plus strand). Cytogenetic location: 4q21.21.
Variant type: Deletion.
Coding change: c.7966_7967del on transcript NM_025074.7 (MANE Select); coding-DNA positions 7966 to 7967, 2 bases deleted (CT; older notation c.7966_7967delCT).
Protein change: p.Leu2656fs; shifts the reading frame from leucine 2656.
Molecular consequence: frameshift variant.
Genome position (GRCh38, 1-based): chr4:78,477,929-78,477,930, CT deleted. VCF-style (leftmost placement, unchanged base first): chr4-78477928-CCT-C. GRCh37 (hg19) VCF-style: chr4-79399082-CCT-C.
Other names: c.7966_7967delCT (NM_025074.6); c.7966_7967del (NM_025074.6); short protein forms L2656fs.
Identifiers: ClinVar variation 1188275 (VCV001188275.4), dbSNP rs2109856354, ClinGen allele CA2499217340.
Genomic context (GRCh38, chr4:78,477,928, plus strand): 5'-TGATGACGTGTTTGAAAATGTTGAGAGTTTCACTGTGGAGCTCAGCATGCCAGCTTATGC[CCT>C]GTTAGGGGAATTCACCCAGGCGAAGGTCATTATCAACGATACCGAGGATGAACCCACATT-3'

ClinVar aggregate classification (germline): Pathogenic (1 of 4 stars; one submission).

Submission:

GeneDx
Classification: Pathogenic. Last evaluated: 2023-08-14. Review status: criteria provided, single submitter. Criteria: GeneDx Variant Classification Process June 2021. Collection method: clinical testing. Allele origin: germline. Affected: yes.
Comment: Frameshift variant predicted to result in protein truncation or nonsense mediated decay in a gene for which loss-of-function is a known mechanism of disease; Not observed at significant frequency in large population cohorts (gnomAD); Has not been previously published as pathogenic or benign to our knowledge